The following is an entry in ClinVar:

ClinVar aggregate classification (germline): Uncertain significance (1 of 4 stars; one submission).

Allele frequency attached by ClinVar (database versions not stated): gnomAD 0.00001; TOPMed below 0.00001.
gnomAD v4.1: 3 of 1,610,974 alleles (0.00019%); highest among the groups gnomAD compares: Non-Finnish European, 0.00025%; no homozygotes.

Submission:

GeneDx
Classification: Uncertain significance. Last evaluated: 2014-07-17. Review status: criteria provided, single submitter. Criteria: GeneDx Variant Classification (06012015). Collection method: clinical testing. Allele origin: germline. Affected: yes.
Comment: p.Ser707Phe (TCC>TTC): c.2120 C>T in exon 21 of the LRPPRC gene (NM_133259.3). The S707F variant has not been published as a mutation, nor has it been reported as a benign polymorphism to our knowledge. The S707F variant is a non-conservative amino acid substitution, which is likely to impact secondary protein structure as these residues differ in polarity, charge, size and/or other properties. This substitution occurs at a position that is conserved in mammals. In silico analysis predicts this variant is probably damaging to the protein structure/function. Therefore, based on the currently available information, it is unclear whether this variant is a pathogenic mutation or a rare benign variant. The variant is found in MITONUC-MITOP panel(s).

NM_133259.4(LRPPRC):c.2120C>T (p.Ser707Phe)

Gene: LRPPRC (leucine rich pentatricopeptide repeat containing; minus strand). Cytogenetic location: 2p21.
Variant type: single nucleotide variant.
Coding change: c.2120C>T on transcript NM_133259.4 (MANE Select); coding-DNA position 2120, C replaced by T.
Protein change: p.Ser707Phe; replaces serine 707 with phenylalanine.
Molecular consequence: missense variant.
Genome position (GRCh38, 1-based): chr2:43,946,203, G>A on the plus strand (C>T on the coding strand, the complement: LRPPRC is on the minus strand). VCF-style: chr2-43946203-G-A. GRCh37 (hg19) VCF-style: chr2-44173342-G-A.
Other names: p.S707F:TCC>TTC; short protein forms S707F.
Identifiers: ClinVar variation 214610 (VCV000214610.2), dbSNP rs747145260, ClinGen allele CA322266.
Genomic context (GRCh38, chr2:43,946,203, plus strand): 5'-ACTTTATCATGTCGACAGCATAAATTTATTAAAGCTGCATAGCCACCAGTAACCATGTCG[G>A]ATTCATATTTTGCTTTCAATTCAAGGGCTTTTTGCATATTCTAAAATACAGCATAGATGT-3'
Protein context (NP_573566.2, residues 697-717): KALELKAKYE[Ser707Phe]DMVTGGYAAL